The following is an entry in ClinVar:

ClinVar aggregate classification (germline): Uncertain significance (1 of 4 stars; one submission).

Submission:

Labcorp Genetics (formerly Invitae), Labcorp
Classification: Uncertain significance. Last evaluated: 2023-07-19. Review status: criteria provided, single submitter. Criteria: Invitae Variant Classification Sherloc (09022015). Collection method: clinical testing. Allele origin: germline.
Comment: This variant is not present in population databases (gnomAD no frequency). In summary, the available evidence is currently insufficient to determine the role of this variant in disease. Therefore, it has been classified as a Variant of Uncertain Significance. Advanced modeling of protein sequence and biophysical properties (such as structural, functional, and spatial information, amino acid conservation, physicochemical variation, residue mobility, and thermodynamic stability) performed at Invitae indicates that this missense variant is not expected to disrupt FZD4 protein function. This variant has not been reported in the literature in individuals affected with FZD4-related conditions. This sequence change replaces isoleucine, which is neutral and non-polar, with phenylalanine, which is neutral and non-polar, at codon 401 of the FZD4 protein (p.Ile401Phe).

NM_012193.4(FZD4):c.1201A>T (p.Ile401Phe)

Genes: FZD4 (frizzled class receptor 4; minus strand), PRSS23 (serine protease 23; plus strand). Cytogenetic location: 11q14.2.
Variant type: single nucleotide variant.
Coding change: c.1201A>T on transcript NM_012193.4 (MANE Select); coding-DNA position 1201, A replaced by T.
Protein change: p.Ile401Phe; replaces isoleucine 401 with phenylalanine.
Molecular consequence: missense variant. On other transcripts: non-coding transcript variant (2).
Genome position (GRCh38, 1-based): chr11:86,951,555, T>A on the plus strand (A>T on the coding strand, the complement: FZD4 is on the minus strand). VCF-style: chr11-86951555-T-A. GRCh37 (hg19) VCF-style: chr11-86662597-T-A.
Other names: short protein forms I401F.
Identifiers: ClinVar variation 2800114 (VCV002800114.3), dbSNP rs2495866283, ClinGen allele CA382012528.
Genomic context (GRCh38, chr11:86,951,555, plus strand): 5'-GAAGATTTGACCGAATTTTGAACAAGGCCACCAAACCTGCAGCAATGAACAAAGTTCCAA[T>A]GACCAAATAAGTAAAGAGGGGAGCCACCACGAACCCGGTGAGGGCATCGAGATTTTGGTT-3'
Protein context (NP_036325.2, residues 391-411): VVAPLFTYLV[Ile401Phe]GTLFIAAGLV